The following is an entry in ClinVar:

NM_003612.5(SEMA7A):c.1266G>A (p.Glu422=)

Gene: SEMA7A (semaphorin 7A (JohnMiltonHagen blood group); minus strand). Cytogenetic location: 15q24.1.
Variant type: single nucleotide variant.
Coding change: c.1266G>A on transcript NM_003612.5 (MANE Select); coding-DNA position 1266, G replaced by A.
Protein change: p.Glu422=; no amino-acid change (glutamic acid 422 retained).
Molecular consequence: synonymous variant.
Genome position (GRCh38, 1-based): chr15:74,414,575, C>T on the plus strand (G>A on the coding strand, the complement: SEMA7A is on the minus strand). VCF-style: chr15-74414575-C-T. GRCh37 (hg19) VCF-style: chr15-74706916-C-T.
Other names: c.1224G>A, p.Glu408= (NM_001146029.3); c.771G>A, p.Glu257= (NM_001146030.3).
Identifiers: ClinVar variation 4992243 (VCV004992243.1).

ClinVar aggregate classification (germline): Likely benign (1 of 4 stars; one submission).

Conditions:
SEMA7A-related disorder. Also called: SEMA7A-related condition.

Submission:

PreventionGenetics, part of Exact Sciences
Classification: Likely benign for SEMA7A-related condition. Last evaluated: 2026-04-10. Review status: criteria provided, single submitter. Criteria: ACMG Guidelines, 2015. Collection method: clinical testing. Allele origin: germline.
Comment: This variant is classified as likely benign based on ACMG/AMP sequence variant interpretation guidelines (Richards et al. 2015 PMID: 25741868, with internal and published modifications).